The following is an entry in ClinVar:

NC_000014.8:g.(?_66975246)_(67567648_?)dup

Gene: GPHN (gephyrin; plus strand). Cytogenetic location: 14q23.3.
Variant type: Duplication.
Identifiers: ClinVar variation 2426611 (VCV002426611.4).

ClinVar aggregate classification (germline): Uncertain significance (1 of 4 stars; one submission).

Conditions:
Sulfite oxidase deficiency due to molybdenum cofactor deficiency type C. Also called: Molybdenum cofactor deficiency, complementation group C; Molybdenum cofactor deficiency C. Identifiers: Orphanet 308400, Orphanet 833, MedGen C1854990, MONDO:0014212, OMIM 615501.

Submission:

Labcorp Genetics (formerly Invitae), Labcorp
Classification: Uncertain significance for Sulfite oxidase deficiency due to molybdenum cofactor deficiency type C. Last evaluated: 2021-10-20. Review status: criteria provided, single submitter. Criteria: Invitae Variant Classification Sherloc (09022015). Collection method: clinical testing. Allele origin: germline.
Comment: In summary, the available evidence is currently insufficient to determine the role of this variant in disease. Therefore, it has been classified as a Variant of Uncertain Significance. Experimental studies and prediction algorithms are not available or were not evaluated, and the functional significance of this variant is currently unknown. This variant has not been reported in the literature in individuals affected with GPHN-related conditions. This variant results in a copy number gain of the genomic region encompassing exon(s) 1-13 of the GPHN gene. This region includes the initiator codon of the gene. This copy number gain extends beyond the assayed region for this gene and therefore may encompass additional genes. As the precise location of this event is unknown, it may be in tandem or it may be located elsewhere in the genome.